The following is an entry in ClinVar:

NM_000219.6(KCNE1):c.48G>C (p.Leu16=)

Gene: KCNE1 (potassium voltage-gated channel subfamily E regulatory subunit 1; minus strand). Cytogenetic location: 21q22.12.
Variant type: single nucleotide variant.
Coding change: c.48G>C on transcript NM_000219.6 (MANE Select); coding-DNA position 48, G replaced by C.
Protein change: p.Leu16=; no amino-acid change (leucine 16 retained).
Molecular consequence: synonymous variant.
Genome position (GRCh38, 1-based): chr21:34,449,587, C>G on the plus strand (G>C on the coding strand, the complement: KCNE1 is on the minus strand). VCF-style: chr21-34449587-C-G. GRCh37 (hg19) VCF-style: chr21-35821885-C-G.
Other names: c.48G>C, p.Leu16= (NM_001127668.4, NM_001127669.4, NM_001127670.4 and 4 more transcripts).
Identifiers: ClinVar variation 3373905 (VCV003373905.6).

ClinVar aggregate classification (germline): Likely benign (1 of 4 stars; one submission).

Submissions (2):

CeGaT Center for Human Genetics Tuebingen
Classification: Likely benign. Last evaluated: 2026-01-01. Review status: criteria provided, single submitter. Criteria: CeGaT Center For Human Genetics Tuebingen Variant Classification Criteria Version 2. Collection method: clinical testing. Allele origin: germline. Affected: yes. Observed: 1 variant allele.
Comment: KCNE1: PM2:Supporting, BP4, BP7

Roden Lab, Vanderbilt University Medical Center
No classification provided (evidence only). Condition: Long QT syndrome 5. Review status: no classification provided. Collection method: in vitro. Allele origin: not applicable. Functional consequence: Effect on ion channel function. Not counted in ClinVar's aggregate classification.
ClinVar note: "not provided" was previously submitted as the classification for the variant. However, the classification appeared to be based only on an observation of functional data so it was converted to no classification on 2025-07-30.